The following is an entry in ClinVar:

NM_015102.5(NPHP4):c.3649C>T (p.Arg1217Cys)

Gene: NPHP4 (nephrocystin 4; minus strand). Cytogenetic location: 1p36.31.
Variant type: single nucleotide variant.
Coding change: c.3649C>T on transcript NM_015102.5 (MANE Select); coding-DNA position 3649, C replaced by T.
Protein change: p.Arg1217Cys; replaces arginine 1217 with cysteine.
Molecular consequence: missense variant. On other transcripts: non-coding transcript variant (1).
Genome position (GRCh38, 1-based): chr1:5,865,269, G>A on the plus strand (C>T on the coding strand, the complement: NPHP4 is on the minus strand). VCF-style: chr1-5865269-G-A. GRCh37 (hg19) VCF-style: chr1-5925329-G-A.
Other names: c.2110C>T, p.Arg704Cys (NM_001291593.2); c.2113C>T, p.Arg705Cys (NM_001291594.2); short protein forms R1217C, R705C, R704C.
Identifiers: ClinVar variation 946396 (VCV000946396.9), dbSNP rs751325206, ClinGen allele CA553507.

ClinVar aggregate classification (germline): Uncertain significance. Review status: criteria provided, multiple submitters, no conflicts (2 of 4 stars). 3 submissions from 3 submitters: Uncertain significance (3). Last evaluated 2026-03-03.

Conditions:
NPHP4-related disorder. Also called: NPHP4-related disorders; NPHP4-related condition. Identifiers: MedGen CN239384.
Senior-Loken syndrome 4 (SLSN4). Identifiers: Orphanet 3156, MedGen C1846979, MONDO:0011756, OMIM 606996.
Nephronophthisis 4 (NPHP4). Also called: NEPHRONOPHTHISIS 4, JUVENILE. Identifiers: Orphanet 655, MedGen C1847013, MONDO:0011752, OMIM 606966.
Nephronophthisis. Also called: Juvenile Nephronophthisis. Identifiers: Orphanet 655, MedGen C0687120, MONDO:0019005, HP:0000090.

Allele frequency attached by ClinVar (database versions not stated): gnomAD exomes 0.00001 and 0.00002; TOPMed 0.00001; gnomAD 0.00002; ExAC 0.00005.
gnomAD v4.1: 11 of 1,556,222 alleles (0.00071%); highest among the groups gnomAD compares: East Asian, 0.007%; no homozygotes.

Submissions (3):

PreventionGenetics, part of Exact Sciences
Classification: Uncertain significance for NPHP4-related condition. Last evaluated: 2026-03-03. Review status: criteria provided, single submitter. Criteria: ACMG Guidelines, 2015. Collection method: clinical testing. Allele origin: germline.
Comment: The NPHP4 c.3649C>T variant is predicted to result in the amino acid substitution p.Arg1217Cys. To our knowledge, this variant has not been reported in the literature. This variant is reported in 0.019% of alleles in individuals of East Asian descent in gnomAD. At this time, the clinical significance of this variant is uncertain due to the absence of conclusive functional and genetic evidence.

Fulgent Genetics
Classification: Uncertain significance for Nephronophthisis 4; Senior-Loken syndrome 4. Last evaluated: 2022-05-31. Review status: criteria provided, single submitter. Criteria: ACMG Guidelines, 2015. Collection method: clinical testing. Allele origin: unknown.

Labcorp Genetics (formerly Invitae), Labcorp
Classification: Uncertain significance for Nephronophthisis. Last evaluated: 2021-09-01. Review status: criteria provided, single submitter. Criteria: Invitae Variant Classification Sherloc (09022015). Collection method: clinical testing. Allele origin: germline.
Comment: This sequence change replaces arginine with cysteine at codon 1217 of the NPHP4 protein (p.Arg1217Cys). The arginine residue is moderately conserved and there is a large physicochemical difference between arginine and cysteine. This variant is present in population databases (rs751325206, ExAC 0.009%). This variant has not been reported in the literature in individuals affected with NPHP4-related conditions. Algorithms developed to predict the effect of missense changes on protein structure and function output the following: SIFT: "Deleterious"; PolyPhen-2: "Benign"; Align-GVGD: "Class C0". The cysteine amino acid residue is found in multiple mammalian species, which suggests that this missense change does not adversely affect protein function. In summary, the available evidence is currently insufficient to determine the role of this variant in disease. Therefore, it has been classified as a Variant of Uncertain Significance.